The following is an entry in ClinVar:

NM_000388.4(CASR):c.661C>T (p.Pro221Ser)

Gene: CASR (calcium sensing receptor; plus strand). Cytogenetic location: 3q21.1.
Variant type: single nucleotide variant.
Coding change: c.661C>T on transcript NM_000388.4 (MANE Select); coding-DNA position 661, C replaced by T.
Protein change: p.Pro221Ser; replaces proline 221 with serine.
Molecular consequence: missense variant.
Genome position (GRCh38, 1-based): chr3:122,261,696, C>T. VCF-style: chr3-122261696-C-T. GRCh37 (hg19) VCF-style: chr3-121980543-C-T.
Other names: c.661C>T, p.Pro221Ser (NM_001178065.2); short protein forms P221S.
Identifiers: ClinVar variation 3068868 (VCV003068868.2), dbSNP rs2473225928, ClinGen allele CA354151072.

ClinVar aggregate classification (germline): Pathogenic (1 of 4 stars; one submission).

Conditions:
Autosomal dominant hypocalcemia. Identifiers: Orphanet 428, MedGen C4048195, MONDO:0018543.

Submission:

Women's Health and Genetics/Laboratory Corporation of America, LabCorp
Classification: Pathogenic for Autosomal dominant hypocalcemia. Last evaluated: 2024-02-01. Review status: criteria provided, single submitter. Criteria: LabCorp Variant Classification Summary - May 2015. Collection method: clinical testing. Allele origin: germline.
Comment: Variant summary: CASR c.661C>T (p.Pro221Ser) results in a non-conservative amino acid change located in the Receptor, ligand binding region (IPR001828) of the encoded protein sequence. Three of five in-silico tools predict a damaging effect of the variant on protein function. The variant was absent in 250832 control chromosomes. c.661C>T has been reported in the literature in multiple individuals from a large family with familial hypocalciuric hypercalcaemia with recurrent pancreatitis and segregated with disease (example, Pearce_1996). These data indicate that the variant is very likely to be associated with Autosomal Dominant Hypocalcemia. At least one publication reports experimental evidence evaluating an impact on protein function. The most pronounced variant effect results in about twice higher EC50[Ca2+]o of WT CASR in HEK cells (Pearce_1996). The following publications have been ascertained in the context of this evaluation (PMID: 9039332, 8878438). No submitters have cited clinical-significance assessments for this variant to ClinVar. Based on the evidence outlined above, the variant was classified as pathogenic.

Literature cited by the submitters: PubMed 9039332; PubMed 8878438.